The following is an entry in ClinVar:

NM_004525.3(LRP2):c.4235G>A (p.Arg1412Gln)

Gene: LRP2 (LDL receptor related protein 2; minus strand). Cytogenetic location: 2q31.1.
Variant type: single nucleotide variant.
Coding change: c.4235G>A on transcript NM_004525.3 (MANE Select); coding-DNA position 4235, G replaced by A.
Protein change: p.Arg1412Gln; replaces arginine 1412 with glutamine.
Molecular consequence: missense variant.
Genome position (GRCh38, 1-based): chr2:169,239,586, C>T on the plus strand (G>A on the coding strand, the complement: LRP2 is on the minus strand). VCF-style: chr2-169239586-C-T. GRCh37 (hg19) VCF-style: chr2-170096096-C-T.
Other names: c.4235G>A (NM_004525.2); short protein forms R1412Q.
Identifiers: ClinVar variation 3607142 (VCV003607142.2).

ClinVar aggregate classification (germline): Uncertain significance. Review status: criteria provided, multiple submitters, no conflicts (2 of 4 stars). 2 submissions from 2 submitters: Uncertain significance (2). Last evaluated 2026-06-10.

Conditions:
LRP2-related disorder. Also called: LRP2-related condition.

gnomAD v4.1: 21 of 1,614,046 alleles (0.0013%); highest among the groups gnomAD compares: African/African-American, 0.0053%; no homozygotes.

Submissions (2):

PreventionGenetics, part of Exact Sciences
Classification: Uncertain significance for LRP2-related condition. Last evaluated: 2026-06-10. Review status: criteria provided, single submitter. Criteria: ACMG Guidelines, 2015. Collection method: clinical testing. Allele origin: germline.
Comment: The LRP2 c.4235G>A variant is predicted to result in the amino acid substitution p.Arg1412Gln. To our knowledge, this variant has not been reported in the literature or in the large population database gnomAD, indicating that this variant is rare. At this time, the clinical significance of this variant is uncertain due to the absence of conclusive functional and genetic evidence.

Labcorp Genetics (formerly Invitae), Labcorp
Classification: Uncertain significance. Last evaluated: 2024-12-09. Review status: criteria provided, single submitter. Criteria: Invitae Variant Classification Sherloc (09022015). Collection method: clinical testing. Allele origin: germline.
Comment: This sequence change replaces arginine, which is basic and polar, with glutamine, which is neutral and polar, at codon 1412 of the LRP2 protein (p.Arg1412Gln). This variant is not present in population databases (gnomAD no frequency). This variant has not been reported in the literature in individuals affected with LRP2-related conditions. Invitae Evidence Modeling of protein sequence and biophysical properties (such as structural, functional, and spatial information, amino acid conservation, physicochemical variation, residue mobility, and thermodynamic stability) indicates that this missense variant is not expected to disrupt LRP2 protein function with a negative predictive value of 95%. In summary, the available evidence is currently insufficient to determine the role of this variant in disease. Therefore, it has been classified as a Variant of Uncertain Significance.